The following is an entry in ClinVar:

NM_001378969.1(KCND3):c.1508C>A (p.Ser503Tyr)

Gene: KCND3 (potassium voltage-gated channel subfamily D member 3; minus strand). Cytogenetic location: 1p13.2.
Variant type: single nucleotide variant.
Coding change: c.1508C>A on transcript NM_001378969.1 (MANE Select); coding-DNA position 1508, C replaced by A.
Protein change: p.Ser503Tyr; replaces serine 503 with tyrosine.
Molecular consequence: missense variant. On other transcripts: intron variant (2).
Genome position (GRCh38, 1-based): chr1:111,778,446, G>T on the plus strand (C>A on the coding strand, the complement: KCND3 is on the minus strand). VCF-style: chr1-111778446-G-T. GRCh37 (hg19) VCF-style: chr1-112321068-G-T.
Other names: c.1508C>A, p.Ser503Tyr (NM_004980.5); c.1462-1173C>A (NM_001378970.1, NM_172198.3); short protein forms S503Y.
Identifiers: ClinVar variation 3224542 (VCV003224542.1), dbSNP rs1172148205, ClinGen allele CA341657627.

ClinVar aggregate classification (germline): Uncertain significance (1 of 4 stars; one submission).

Conditions:
Cardiovascular phenotype. Identifiers: MedGen CN230736.

Submission:

Ambry Genetics
Classification: Uncertain significance for Cardiovascular phenotype. Last evaluated: 2023-09-26. Review status: criteria provided, single submitter. Criteria: Ambry Variant Classification Scheme 2023. Collection method: clinical testing. Allele origin: germline.
Comment: The p.S503Y variant (also known as c.1508C>A), located in coding exon 5 of the KCND3 gene, results from a C to A substitution at nucleotide position 1508. The serine at codon 503 is replaced by tyrosine, an amino acid with dissimilar properties. This amino acid position is highly conserved in available vertebrate species. In addition, this alteration is predicted to be deleterious by in silico analysis. Since supporting evidence is limited at this time, the clinical significance of this alteration remains unclear.